The following is an entry in ClinVar:

NM_012471.3(TRPC5):c.1512A>C (p.Gly504=)

Gene: TRPC5 (transient receptor potential cation channel subfamily C member 5; minus strand). Cytogenetic location: Xq23.
Variant type: single nucleotide variant.
Coding change: c.1512A>C on transcript NM_012471.3 (MANE Select); coding-DNA position 1512, A replaced by C.
Protein change: p.Gly504=; no amino-acid change (glycine 504 retained).
Molecular consequence: synonymous variant.
Genome position (GRCh38, 1-based): chrX:111,847,302, T>G on the plus strand (A>C on the coding strand, the complement: TRPC5 is on the minus strand). VCF-style: chrX-111847302-T-G. GRCh37 (hg19) VCF-style: chrX-111090530-T-G.
Identifiers: ClinVar variation 4995686 (VCV004995686.1).
Genomic context (GRCh38, chrX:111,847,302, plus strand): 5'-GTAGATAAAGAGGAATTTGAGGATATCAAGCAGCATGCGTCCCAAAGAGATCTGCAGAGG[T>G]CCTAAGTGGGAGTTGGCTGTGAACAGGGATATGAGACGCAACGAACTTAAAATGTTGGAT-3'
Protein context (NP_036603.1, residues 494-514): ISLFTANSHL[Gly504=]PLQISLGRML

ClinVar aggregate classification (germline): Likely benign (1 of 4 stars; one submission).

Conditions:
TRPC5-related disorder. Also called: TRPC5-related condition.

Submission:

PreventionGenetics, part of Exact Sciences
Classification: Likely benign for TRPC5-related condition. Last evaluated: 2025-10-28. Review status: criteria provided, single submitter. Criteria: ACMG Guidelines, 2015. Collection method: clinical testing. Allele origin: germline.
Comment: This variant is classified as likely benign based on ACMG/AMP sequence variant interpretation guidelines (Richards et al. 2015 PMID: 25741868, with internal and published modifications).